The following is an entry in ClinVar:

ClinVar aggregate classification (germline): Uncertain significance (1 of 4 stars; one submission).

Conditions:
Epileptic encephalopathy. Identifiers: MedGen C0543888, HP:0200134.

Submission:

Labcorp Genetics (formerly Invitae), Labcorp
Classification: Uncertain significance for Epileptic encephalopathy. Last evaluated: 2021-05-16. Review status: criteria provided, single submitter. Criteria: Invitae Variant Classification Sherloc (09022015). Collection method: clinical testing. Allele origin: germline.
Comment: In summary, the available evidence is currently insufficient to determine the role of this variant in disease. Therefore, it has been classified as a Variant of Uncertain Significance. This variant has not been reported in the literature in individuals with RYR3-related conditions. This variant results in a copy number gain of the genomic region encompassing exon(s) 1-2 of the RYR3 gene. This region includes the initiator codon of the gene. The 5' end of this event is unknown as it extends beyond the assayed region for this gene and therefore may encompass additional genes. The 3' boundary is likely confined to intron 2 of the RYR3 gene. As the precise location of this event is unknown, it may be in tandem or it may be located elsewhere in the genome.

NC_000015.9:g.(?_33603247)_(33765759_?)dup

Gene: RYR3 (ryanodine receptor 3; plus strand). Cytogenetic location: 15q14.
Variant type: Duplication.
Identifiers: ClinVar variation 1410052 (VCV001410052.4).